The following is an entry in ClinVar:

NM_002332.3(LRP1):c.8571C>G (p.Thr2857=)

Gene: LRP1 (LDL receptor related protein 1; plus strand). Cytogenetic location: 12q13.3.
Variant type: single nucleotide variant.
Coding change: c.8571C>G on transcript NM_002332.3 (MANE Select); coding-DNA position 8571, C replaced by G.
Protein change: p.Thr2857=; no amino-acid change (threonine 2857 retained).
Molecular consequence: synonymous variant.
Genome position (GRCh38, 1-based): chr12:57,195,873, C>G. VCF-style: chr12-57195873-C-G. GRCh37 (hg19) VCF-style: chr12-57589656-C-G.
Other names: c.8571C>G (NM_002332.2).
Identifiers: ClinVar variation 2643120 (VCV002643120.25), dbSNP rs138150221, ClinGen allele CA6644440.
Genomic context (GRCh38, chr12:57,195,873, plus strand): 5'-GCCCTCTGCCGGGCCAGGGCATCAGCCTCACAGGTCCATTCCTCCCCCAGAGTACCCGAC[C>G]TGCGGCCCCAGTGAGTTCCGCTGTGCCAATGGGCGCTGTCTGAGCTCCCGCCAGTGGGAG-3'
Protein context (NP_002323.2, residues 2847-2867): SDESPECEYP[Thr2857=]CGPSEFRCAN

ClinVar aggregate classification (germline): Likely benign. Review status: criteria provided, single submitter (1 of 4 stars). 2 submissions from 2 submitters: Likely benign (1). 1 of the submissions does not count toward it. Last evaluated 2023-01-01.

Conditions:
LRP1-related disorder. Also called: LRP1-related condition.

Allele frequency attached by ClinVar (database versions not stated): ExAC 0.00005; ESP Exome Variant Server 0.00008.
gnomAD v4.1: 72 of 1,613,814 alleles (0.0045%); highest among the groups gnomAD compares: Middle Eastern, 0.033%; no homozygotes.

Submissions (2):

CeGaT Center for Human Genetics Tuebingen
Classification: Likely benign. Last evaluated: 2023-01-01. Review status: criteria provided, single submitter. Criteria: CeGaT Center For Human Genetics Tuebingen Variant Classification Criteria Version 2. Collection method: clinical testing. Allele origin: germline. Affected: yes. Observed: 1 variant allele.
Comment: LRP1: BP4, BP7

PreventionGenetics, part of Exact Sciences
Classification: Likely benign for LRP1-related condition. Last evaluated: 2019-03-13. Review status: no assertion criteria provided. Collection method: clinical testing. Allele origin: germline. Not counted in ClinVar's aggregate classification.
Comment: This variant is classified as likely benign based on ACMG/AMP sequence variant interpretation guidelines (Richards et al. 2015 PMID: 25741868, with internal and published modifications).